The following is an entry in ClinVar:

ClinVar aggregate classification (germline): Conflicting classifications of pathogenicity. Review status: criteria provided, conflicting classifications (1 of 4 stars). 2 submissions from 2 submitters: Uncertain significance (1); Likely benign (1). Last evaluated 2025-05-14.

Conditions:
Cardiovascular phenotype. Identifiers: MedGen CN230736.
Primary familial hypertrophic cardiomyopathy (HCM). Identifiers: Orphanet 99739, MedGen C0949658, MeSH D024741, MONDO:0024573. Inheritance: Various modes of inheritance.
Dilated cardiomyopathy 1AA (CMD1AA). Also called: CARDIOMYOPATHY, DILATED, 1AA, WITH OR WITHOUT LEFT VENTRICULAR NONCOMPACTION; CARDIOMYOPATHY, FAMILIAL HYPERTROPHIC, 23, WITH OR WITHOUT LEFT VENTRICULAR NONCOMPACTION; Cardiomyopathy, dilated, 1AA, with or without LVNC. Identifiers: Orphanet 154, MedGen C2677338, MONDO:0012808, OMIM 612158.

Allele frequency attached by ClinVar (database versions not stated): gnomAD exomes below 0.00001; gnomAD 0.00001; TOPMed 0.00002.

Submissions (2):

Labcorp Genetics (formerly Invitae), Labcorp
Classification: Uncertain significance for Primary familial hypertrophic cardiomyopathy; Dilated cardiomyopathy 1AA. Last evaluated: 2025-05-14. Review status: criteria provided, single submitter. Criteria: Invitae Variant Classification Sherloc (09022015). Collection method: clinical testing. Allele origin: germline.
Comment: This sequence change replaces aspartic acid, which is acidic and polar, with asparagine, which is neutral and polar, at codon 15 of the ACTN2 protein (p.Asp15Asn). This variant is not present in population databases (gnomAD no frequency). This variant has not been reported in the literature in individuals affected with ACTN2-related conditions. ClinVar contains an entry for this variant (Variation ID: 2625134). Invitae Evidence Modeling of protein sequence and biophysical properties (such as structural, functional, and spatial information, amino acid conservation, physicochemical variation, residue mobility, and thermodynamic stability) indicates that this missense variant is not expected to disrupt ACTN2 protein function with a negative predictive value of 95%. In summary, the available evidence is currently insufficient to determine the role of this variant in disease. Therefore, it has been classified as a Variant of Uncertain Significance.

Ambry Genetics
Classification: Likely benign for Cardiovascular phenotype. Last evaluated: 2024-09-12. Review status: criteria provided, single submitter. Criteria: Ambry Variant Classification Scheme 2023. Collection method: clinical testing. Allele origin: germline.

NM_001103.4(ACTN2):c.43G>A (p.Asp15Asn)

Gene: ACTN2 (actinin alpha 2; plus strand). Cytogenetic location: 1q43.
Variant type: single nucleotide variant.
Coding change: c.43G>A on transcript NM_001103.4 (MANE Select); coding-DNA position 43, G replaced by A.
Protein change: p.Asp15Asn; replaces aspartic acid 15 with asparagine.
Molecular consequence: missense variant. On other transcripts: non-coding transcript variant (1).
Genome position (GRCh38, 1-based): chr1:236,686,716, G>A. VCF-style: chr1-236686716-G-A. GRCh37 (hg19) VCF-style: chr1-236850016-G-A.
Other names: c.43G>A, p.Asp15Asn (NM_001278343.2); c.-779G>A (NM_001278344.2); c.-904G>A (NM_001412150.1); short protein forms D15N.
Identifiers: ClinVar variation 2625134 (VCV002625134.6), dbSNP rs1242103284, ClinGen allele CA345358177.